The following is an entry in ClinVar:

NM_006341.4(MAD2L2):c.333C>T (p.Ser111=)

Gene: MAD2L2 (mitotic arrest deficient 2 like 2; minus strand). Cytogenetic location: 1p36.22.
Variant type: single nucleotide variant.
Coding change: c.333C>T on transcript NM_006341.4 (MANE Select); coding-DNA position 333, C replaced by T.
Protein change: p.Ser111=; no amino-acid change (serine 111 retained).
Molecular consequence: synonymous variant.
Genome position (GRCh38, 1-based): chr1:11,676,140, G>A on the plus strand (C>T on the coding strand, the complement: MAD2L2 is on the minus strand). VCF-style: chr1-11676140-G-A. GRCh37 (hg19) VCF-style: chr1-11736197-G-A.
Other names: c.333C>T, p.Ser111= (NM_001127325.2).
Identifiers: ClinVar variation 3693753 (VCV003693753.2).
Genomic context (GRCh38, chr1:11,676,140, plus strand): 5'-GCTGATCTTCAGGATGAAGGCCCGGAGCAGCTGCTCCACATGAGACAACAGCGAGTCTGA[G>A]CTGGGAGTGAGAGGAGGTCTTCCCATCACACTGGCGCCCTCCCCTCCACCACAGGCATCA-3'
Protein context (NP_006332.3, residues 101-121): EITQPPLLSI[Ser111=]SDSLLSHVEQ

ClinVar aggregate classification (germline): Uncertain significance (1 of 4 stars; one submission).

gnomAD v4.1: 31 of 1,591,206 alleles (0.0019%); highest among the groups gnomAD compares: Non-Finnish European, 0.0027%; no homozygotes.

Submission:

Labcorp Genetics (formerly Invitae), Labcorp
Classification: Uncertain significance. Last evaluated: 2024-11-02. Review status: criteria provided, single submitter. Criteria: Invitae Variant Classification Sherloc (09022015). Collection method: clinical testing. Allele origin: germline.
Comment: This sequence change affects codon 111 of the MAD2L2 mRNA. It is a 'silent' change, meaning that it does not change the encoded amino acid sequence of the MAD2L2 protein. It affects a nucleotide within the consensus splice site. This variant is not present in population databases (gnomAD no frequency). This variant has not been reported in the literature in individuals affected with MAD2L2-related conditions. Algorithms developed to predict the effect of sequence changes on RNA splicing suggest that this variant is not likely to affect RNA splicing. In summary, the available evidence is currently insufficient to determine the role of this variant in disease. Therefore, it has been classified as a Variant of Uncertain Significance.